The following is an entry in ClinVar:

ClinVar aggregate classification (germline): Uncertain significance (1 of 4 stars; one submission).

Conditions:
Hereditary cancer-predisposing syndrome. Also called: Tumor predisposition; Hereditary neoplastic syndrome; Hereditary Cancer Syndrome; Neoplastic Syndromes, Hereditary. Identifiers: Orphanet 140162, MedGen C0027672, MeSH D009386, MONDO:0015356.

Submission:

Ambry Genetics
Classification: Uncertain significance for Hereditary cancer-predisposing syndrome. Last evaluated: 2025-04-28. Review status: criteria provided, single submitter. Criteria: Ambry Variant Classification Scheme 2023. Collection method: clinical testing. Allele origin: germline.
Comment: The p.S636G variant (also known as c.1906A>G), located in coding exon 13 of the PDGFRA gene, results from an A to G substitution at nucleotide position 1906. The serine at codon 636 is replaced by glycine, an amino acid with similar properties. This amino acid position is conserved. In addition, the in silico prediction for this alteration is inconclusive. Based on the available evidence, the clinical significance of this variant remains unclear.

NM_006206.6(PDGFRA):c.1906A>G (p.Ser636Gly)

Gene: PDGFRA (platelet derived growth factor receptor alpha; plus strand). Cytogenetic location: 4q12.
Variant type: single nucleotide variant.
Coding change: c.1906A>G on transcript NM_006206.6 (MANE Select); coding-DNA position 1906, A replaced by G.
Protein change: p.Ser636Gly; replaces serine 636 with glycine.
Molecular consequence: missense variant.
Genome position (GRCh38, 1-based): chr4:54,277,910, A>G. VCF-style: chr4-54277910-A-G. GRCh37 (hg19) VCF-style: chr4-55144077-A-G.
Other names: c.1906A>G, p.Ser636Gly (NM_001347827.2, NM_001347829.2); c.1981A>G, p.Ser661Gly (NM_001347828.2); c.1945A>G, p.Ser649Gly (NM_001347830.2); short protein forms S661G, S636G, S649G.
Identifiers: ClinVar variation 3930210 (VCV003930210.1).